The following is an entry in ClinVar:

NM_000465.4(BARD1):c.1243A>C (p.Lys415Gln)

Gene: BARD1 (BRCA1 associated RING domain 1; minus strand). Cytogenetic location: 2q35.
Variant type: single nucleotide variant.
Coding change: c.1243A>C on transcript NM_000465.4 (MANE Select); coding-DNA position 1243, A replaced by C.
Protein change: p.Lys415Gln; replaces lysine 415 with glutamine.
Molecular consequence: missense variant. On other transcripts: non-coding transcript variant (2), intron variant (3).
Genome position (GRCh38, 1-based): chr2:214,780,631, T>G on the plus strand (A>C on the coding strand, the complement: BARD1 is on the minus strand). VCF-style: chr2-214780631-T-G. GRCh37 (hg19) VCF-style: chr2-215645355-T-G.
Other names: c.1186A>C, p.Lys396Gln (NM_001282543.2); c.159-28076A>C (NM_001282548.2); c.215+16430A>C (NM_001282545.2); c.364+11666A>C (NM_001282549.2); short protein forms K396Q, K415Q.
Identifiers: ClinVar variation 1062254 (VCV001062254.10), dbSNP rs1694943608, ClinGen allele CA350453582.

ClinVar aggregate classification (germline): Uncertain significance (1 of 4 stars; one submission).

Conditions:
Familial cancer of breast. Also called: hereditary breast carcinoma; Hereditary breast cancer; BREAST CANCER, FAMILIAL. Identifiers: Orphanet 227535, MedGen C0346153, MONDO:0016419, OMIM 114480. Disease mechanism: loss of function.

Submission:

Labcorp Genetics (formerly Invitae), Labcorp
Classification: Uncertain significance for Familial cancer of breast. Last evaluated: 2020-10-25. Review status: criteria provided, single submitter. Criteria: Invitae Variant Classification Sherloc (09022015). Collection method: clinical testing. Allele origin: germline.
Comment: In summary, the available evidence is currently insufficient to determine the role of this variant in disease. Therefore, it has been classified as a Variant of Uncertain Significance. Algorithms developed to predict the effect of missense changes on protein structure and function (SIFT, PolyPhen-2, Align-GVGD) all suggest that this variant is likely to be tolerated, but these predictions have not been confirmed by published functional studies and their clinical significance is uncertain. This variant has not been reported in the literature in individuals with BARD1-related conditions. This variant is not present in population databases (ExAC no frequency). This sequence change replaces lysine with glutamine at codon 415 of the BARD1 protein (p.Lys415Gln). The lysine residue is highly conserved and there is a small physicochemical difference between lysine and glutamine.